The following is an entry in ClinVar:

ClinVar aggregate classification (germline): Likely benign. Review status: criteria provided, multiple submitters, no conflicts (2 of 4 stars). 4 submissions from 4 submitters: Likely benign (4). Last evaluated 2026-04-01.

Conditions:
Cardiovascular phenotype. Identifiers: MedGen CN230736.
Duchenne muscular dystrophy (DMD). Also called: MUSCULAR DYSTROPHY, PSEUDOHYPERTROPHIC PROGRESSIVE, DUCHENNE TYPE; Duchenne Muscular Dystrophy (DMD). Identifiers: Orphanet 98896, MedGen C0013264, MONDO:0010679, OMIM 310200.

Allele frequency attached by ClinVar (database versions not stated): TOPMed 0.00001.

Submissions (4):

CeGaT Center for Human Genetics Tuebingen
Classification: Likely benign. Last evaluated: 2026-04-01. Review status: criteria provided, single submitter. Criteria: CeGaT Center For Human Genetics Tuebingen Variant Classification Criteria Version 2. Collection method: clinical testing. Allele origin: germline. Affected: yes. Observed: 1 variant allele.
Comment: DMD: PM2:Supporting, BP4, BP7

Labcorp Genetics (formerly Invitae), Labcorp
Classification: Likely benign for Duchenne muscular dystrophy. Last evaluated: 2025-10-26. Review status: criteria provided, single submitter. Criteria: Invitae Variant Classification Sherloc (09022015). Collection method: clinical testing. Allele origin: germline.

Blueprint Genetics
Classification: Likely benign. Last evaluated: 2023-02-15. Review status: criteria provided, single submitter. Criteria: ACMG Guidelines, 2015. Collection method: clinical testing. Allele origin: germline.

Ambry Genetics
Classification: Likely benign for Cardiovascular phenotype. Last evaluated: 2020-12-02. Review status: criteria provided, single submitter. Criteria: Ambry Variant Classification Scheme 2023. Collection method: clinical testing. Allele origin: germline.

NM_004006.3(DMD):c.4671A>C (p.Ala1557=)

Gene: DMD (dystrophin; minus strand). Cytogenetic location: Xp21.1.
Variant type: single nucleotide variant.
Coding change: c.4671A>C on transcript NM_004006.3 (MANE Select); coding-DNA position 4671, A replaced by C.
Protein change: p.Ala1557=; no amino-acid change (alanine 1557 retained).
Molecular consequence: synonymous variant.
Genome position (GRCh38, 1-based): chrX:32,386,313, T>G on the plus strand (A>C on the coding strand, the complement: DMD is on the minus strand). VCF-style: chrX-32386313-T-G. GRCh37 (hg19) VCF-style: chrX-32404430-T-G.
Other names: c.4647A>C, p.Ala1549= (NM_000109.4); c.4659A>C, p.Ala1553= (NM_004009.3); c.4302A>C, p.Ala1434= (NM_004010.3); c.648A>C, p.Ala216= (NM_004011.4); c.639A>C, p.Ala213= (NM_004012.4).
Identifiers: ClinVar variation 698342 (VCV000698342.14), dbSNP rs1603632244, ClinGen allele CA515714992.